The following is an entry in ClinVar:

NM_000051.4(ATM):c.1631T>C (p.Leu544Ser)

Gene: ATM (ATM serine/threonine kinase; plus strand). Cytogenetic location: 11q22.3.
Variant type: single nucleotide variant.
Coding change: c.1631T>C on transcript NM_000051.4 (MANE Select); coding-DNA position 1631, T replaced by C.
Protein change: p.Leu544Ser; replaces leucine 544 with serine.
Molecular consequence: missense variant.
Genome position (GRCh38, 1-based): chr11:108,251,860, T>C. VCF-style: chr11-108251860-T-C. GRCh37 (hg19) VCF-style: chr11-108122587-T-C.
Other names: c.1631T>C, p.Leu544Ser (NM_001351834.2); short protein forms L544S.
Identifiers: ClinVar variation 185076 (VCV000185076.80), dbSNP rs375754332, ClinGen allele CA190939.

ClinVar aggregate classification (germline): Uncertain significance. Review status: criteria provided, multiple submitters, no conflicts (2 of 4 stars). 15 submissions from 14 submitters: Uncertain significance (14). 1 of the submissions does not count toward it. Last evaluated 2026-02-03.

Conditions:
ATM-related disorder. Also called: ATM-related disorders; ATM-related condition.
Familial colorectal cancer type X. Identifiers: Orphanet 440437, MedGen C3896578, MONDO:0018604.
Hereditary cancer-predisposing syndrome. Also called: Tumor predisposition; Neoplastic Syndromes, Hereditary; Hereditary Cancer Syndrome; Hereditary neoplastic syndrome. Identifiers: Orphanet 140162, MedGen C0027672, MeSH D009386, MONDO:0015356.
Familial cancer of breast. Also called: hereditary breast carcinoma; BREAST CANCER, FAMILIAL; Hereditary breast cancer. Identifiers: Orphanet 227535, MedGen C0346153, MONDO:0016419, OMIM 114480. Disease mechanism: loss of function.
Ataxia-telangiectasia syndrome (AT). Also called: LOUIS-BAR SYNDROME; Ataxia-telangiectasia, complementation group D; Ataxia telangiectasia (A-T); AT, COMPLEMENTATION GROUP C; ATAXIA-TELANGIECTASIA, COMPLEMENTATION GROUP A; ATAXIA-TELANGIECTASIA, FRESNO VARIANT. Identifiers: Orphanet 100, MedGen C0004135, MONDO:0008840, OMIM 208900.

Allele frequency attached by ClinVar (database versions not stated): TOPMed 0.00008; gnomAD 0.00010; ESP Exome Variant Server 0.00015; ExAC 0.00001; gnomAD exomes 0.00001.
gnomAD v4.1: 28 of 1,613,760 alleles (0.0017%); highest among the groups gnomAD compares: African/African-American, 0.036%; no homozygotes.

Submissions (15):

Labcorp Genetics (formerly Invitae), Labcorp
Classification: Uncertain significance for Ataxia-telangiectasia syndrome. Last evaluated: 2026-02-03. Review status: criteria provided, single submitter. Criteria: Invitae Variant Classification Sherloc (09022015). Collection method: clinical testing. Allele origin: germline.
Comment: This sequence change replaces leucine, which is neutral and non-polar, with serine, which is neutral and polar, at codon 544 of the ATM protein (p.Leu544Ser). This variant is present in population databases (rs375754332, gnomAD 0.02%). This variant has not been reported in the literature in individuals affected with ATM-related conditions. ClinVar contains an entry for this variant (Variation ID: 185076). Invitae Evidence Modeling of protein sequence and biophysical properties (such as structural, functional, and spatial information, amino acid conservation, physicochemical variation, residue mobility, and thermodynamic stability) indicates that this missense variant is not expected to disrupt ATM protein function with a negative predictive value of 95%. RNA analysis performed to evaluate the impact of this missense change on mRNA splicing indicates it does not significantly alter splicing (internal data). In summary, the available evidence is currently insufficient to determine the role of this variant in disease. Therefore, it has been classified as a Variant of Uncertain Significance.

Ambry Genetics
Classification: Uncertain significance for Hereditary cancer-predisposing syndrome. Last evaluated: 2025-02-04. Review status: criteria provided, single submitter. Criteria: Ambry Variant Classification Scheme 2023. Collection method: clinical testing. Allele origin: germline.
Comment: The p.L544S variant (also known as c.1631T>C), located in coding exon 10 of the ATM gene, results from a T to C substitution at nucleotide position 1631. The leucine at codon 544 is replaced by serine, an amino acid with dissimilar properties. This amino acid position is not well conserved in available vertebrate species. In addition, this alteration is predicted to be tolerated by in silico analysis. Based on the available evidence, the clinical significance of this variant remains unclear.

PreventionGenetics, part of Exact Sciences
Classification: Uncertain significance for ATM-related condition. Last evaluated: 2025-01-23. Review status: criteria provided, single submitter. Criteria: ACMG Guidelines, 2015. Collection method: clinical testing. Allele origin: germline.
Comment: The ATM c.1631T>C variant is predicted to result in the amino acid substitution p.Leu544Ser. This variant has been reported in individual(s) going though hereditary cancer panel testing but no clinical information was provided (Supplemental Table 3. Mu et al. 2016. PubMed ID: 27720647). This variant is reported in 0.024% of alleles in individuals of African descent in gnomAD. This variant is interpreted as a variant of uncertain significance in ClinVar. At this time, the clinical significance of this variant is uncertain due to the absence of conclusive functional and genetic evidence.

Color Diagnostics, LLC DBA Color Health
Classification: Uncertain significance for Hereditary cancer-predisposing syndrome. Last evaluated: 2024-06-03. Review status: criteria provided, single submitter. Criteria: ACMG Guidelines, 2015. Collection method: clinical testing. Allele origin: germline.
Comment: This missense variant replaces leucine with serine at codon 544 of the ATM protein. Computational prediction suggests that this variant may not impact protein structure and function. To our knowledge, functional studies have not been reported for this variant. This variant has not been reported in individuals affected with ATM-related disorders in the literature. This variant has been identified in 6/282740 chromosomes in the general population by the Genome Aggregation Database (gnomAD). The available evidence is insufficient to determine the role of this variant in disease conclusively. Therefore, this variant is classified as a Variant of Uncertain Significance.

Department of Pathology and Laboratory Medicine, Sinai Health System
Classification: Uncertain significance for Familial colorectal cancer type X. Last evaluated: 2024-01-15. Review status: criteria provided, single submitter. Criteria: ACMG Guidelines, 2015. Collection method: clinical testing. Allele origin: germline. Affected: yes.

Baylor Genetics
Classification: Uncertain significance for Familial cancer of breast. Last evaluated: 2024-01-08. Review status: criteria provided, single submitter. Criteria: ACMG Guidelines, 2015. Collection method: clinical testing. Allele origin: unknown.

GeneDx
Classification: Uncertain significance. Last evaluated: 2023-09-10. Review status: criteria provided, single submitter. Criteria: GeneDx Variant Classification Process June 2021. Collection method: clinical testing. Allele origin: germline. Affected: yes.
Comment: In silico analysis supports that this missense variant does not alter protein structure/function; Observed in individuals undergoing multi-gene hereditary cancer panel testing (Mu et al., 2016); This variant is associated with the following publications: (PMID: 27720647)

Women's Health and Genetics/Laboratory Corporation of America, LabCorp
Classification: Uncertain significance. Last evaluated: 2022-12-26. Review status: criteria provided, single submitter. Criteria: LabCorp Variant Classification Summary - May 2015. Collection method: clinical testing. Allele origin: germline.
Comment: Variant summary: ATM c.1631T>C (p.Leu544Ser) results in a non-conservative amino acid change in the encoded protein sequence. Three of five in-silico tools predict a benign effect of the variant on protein function. The variant allele was found at a frequency of 1.2e-05 in 251334 control chromosomes. The available data on variant occurrences in the general population are insufficient to allow any conclusion about variant significance. To our knowledge, no occurrence of c.1631T>C in individuals affected with Breast Cancer/Ataxia Telangiectasia and no experimental evidence demonstrating its impact on protein function have been reported. Ten clinical diagnostic laboratories have submitted clinical-significance assessments for this variant to ClinVar after 2014 without evidence for independent evaluation. All laboratories classified the variant as uncertain significance. Based on the evidence outlined above, the variant was classified as uncertain significance.

St. Jude Molecular Pathology, St. Jude Children's Research Hospital
Classification: Uncertain significance for Ataxia-telangiectasia syndrome. Last evaluated: 2022-04-13. Review status: criteria provided, single submitter. Criteria: St. Jude Assertion Criteria 2020. Collection method: clinical testing. Allele origin: germline.
Comment: The ATM c.1631T>C (p.Leu544Ser) missense change has a maximum subpopulation frequency of 0.024% in gnomAD v2.1.1. The in silico tool REVEL does not conclusively predict a deleterious or benign effect of this variant, and to our knowledge functional assays have not been performed. To our knowledge, this variant has not been reported in individuals with ataxia telangiectasia or hereditary breast cancer. In summary, this variant meets criteria to be classified as of uncertain significance based on the ACMG/AMP criteria, as specified by the ClinGen Hereditary Breast, Ovarian and Pancreatic Cancer Variant Curation Expert Panel: no criteria met.

Sema4
Classification: Uncertain significance for Hereditary cancer-predisposing syndrome. Last evaluated: 2022-01-10. Review status: criteria provided, single submitter. Criteria: Sema4 Curation Guidelines. Collection method: curation. Allele origin: germline.
Comment: The ATM c.1631T>C (p.L544S) variant has not been reported in the literature to our knowledge. It was observed in 6/24970 chromosomes of the African/African American subpopulation in the large and broad cohorts of the Genome Aggregation Database (PMID: 32461654). This variant has been reported in ClinVar (Variation ID 185076). Functional studies have not been performed, and in silico predictions of the variant's effect on protein function are inconclusive. The evidence is insufficient to meet ACMG/AMP criteria for classifying the variant as benign or pathogenic. Thus, the clinical significance of this variant is currently uncertain.

Quest Diagnostics Nichols Institute San Juan Capistrano
Classification: Uncertain significance. Last evaluated: 2021-08-05. Review status: criteria provided, single submitter. Criteria: Quest Diagnostics criteria. Collection method: clinical testing. Allele origin: unknown.

CeGaT Center for Human Genetics Tuebingen
Classification: Uncertain significance. Last evaluated: 2019-11-01. Review status: criteria provided, single submitter. Criteria: CeGaT Center For Human Genetics Tuebingen Variant Classification Criteria Version 2. Collection method: clinical testing. Allele origin: germline. Affected: yes. Observed: 1 variant allele.

Baylor Genetics
Classification: Uncertain significance for Ataxia-telangiectasia syndrome. Last evaluated: 2019-01-23. Review status: criteria provided, single submitter. Criteria: ACMG Guidelines, 2015. Collection method: clinical testing. Allele origin: paternal. Affected: yes. Study: CSER-TexasKidsCanSeq.
Comment: This variant was determined to be of uncertain significance according to ACMG Guidelines, 2015 [PMID:25741868].

Eurofins Ntd Llc (ga)
Classification: Uncertain significance. Last evaluated: 2016-12-01. Review status: criteria provided, single submitter. Criteria: EGL Classification Definitions 2015. Collection method: clinical testing. Allele origin: germline. Observed: 1 variant allele, 1 heterozygote.

Natera, Inc.
Classification: Uncertain significance for Ataxia-telangiectasia. Last evaluated: 2020-08-02. Review status: no assertion criteria provided. Collection method: clinical testing. Allele origin: germline. Not counted in ClinVar's aggregate classification.

Literature cited by the submitters: PubMed 27720647 (cited by Department of Pathology and Laboratory Medicine, Sinai Health System and Quest Diagnostics Nichols Institute San Juan Capistrano).